The following is an entry in ClinVar:

ClinVar aggregate classification (germline): Uncertain significance. Review status: criteria provided, multiple submitters, no conflicts (2 of 4 stars). 3 submissions from 3 submitters: Uncertain significance (3). Last evaluated 2026-09-01.

Conditions:
HSPB8-related disorder. Also called: HSPB8-related condition.
Inborn genetic diseases. Identifiers: MedGen C0950123, MeSH D030342.
Charcot-Marie-Tooth disease axonal type 2L. Also called: Charcot-Marie-Tooth Neuropathy Type 2L; CHARCOT-MARIE-TOOTH DISEASE, AXONAL, AUTOSOMAL DOMINANT, TYPE 2L; CHARCOT-MARIE-TOOTH NEUROPATHY, AXONAL, TYPE 2L. Identifiers: Orphanet 99945, MedGen C1837552, MONDO:0012096, OMIM 608673.

Allele frequency attached by ClinVar (database versions not stated): gnomAD exomes below 0.00001; ExAC 0.00001; gnomAD 0.00002; TOPMed 0.00002.
gnomAD v4.1: 21 of 1,613,840 alleles (0.0013%); highest among the groups gnomAD compares: Non-Finnish European, 0.0018%; no homozygotes.

Submissions (3):

PreventionGenetics, part of Exact Sciences
Classification: Uncertain significance for HSPB8-related condition. Last evaluated: 2026-09-01. Review status: criteria provided, single submitter. Criteria: ACMG Guidelines, 2015. Collection method: clinical testing. Allele origin: germline.
Comment: The HSPB8 c.164G>A variant is predicted to result in the amino acid substitution p.Arg55His. To our knowledge, this variant has not been reported in the literature. This variant is reported in 0.00088% of alleles in individuals of European (Non-Finnish) descent in gnomAD. At this time, the clinical significance of this variant is uncertain due to the absence of conclusive functional and genetic evidence.

Labcorp Genetics (formerly Invitae), Labcorp
Classification: Uncertain significance for Charcot-Marie-Tooth disease axonal type 2L. Last evaluated: 2024-07-08. Review status: criteria provided, single submitter. Criteria: Invitae Variant Classification Sherloc (09022015). Collection method: clinical testing. Allele origin: germline.
Comment: This sequence change replaces arginine, which is basic and polar, with histidine, which is basic and polar, at codon 55 of the HSPB8 protein (p.Arg55His). This variant is present in population databases (rs752911264, gnomAD 0.0009%). This variant has not been reported in the literature in individuals affected with HSPB8-related conditions. ClinVar contains an entry for this variant (Variation ID: 570529). An algorithm developed to predict the effect of missense changes on protein structure and function (PolyPhen-2) suggests that this variant is likely to be disruptive. In summary, the available evidence is currently insufficient to determine the role of this variant in disease. Therefore, it has been classified as a Variant of Uncertain Significance.

Ambry Genetics
Classification: Uncertain significance for Inborn genetic diseases. Last evaluated: 2022-05-03. Review status: criteria provided, single submitter. Criteria: Ambry Variant Classification Scheme 2023. Collection method: clinical testing. Allele origin: germline.
Comment: The p.R55H variant (also known as c.164G>A), located in coding exon 1 of the HSPB8 gene, results from a G to A substitution at nucleotide position 164. The arginine at codon 55 is replaced by histidine, an amino acid with highly similar properties. This amino acid position is conserved. In addition, the in silico prediction for this alteration is inconclusive. Since supporting evidence is limited at this time, the clinical significance of this alteration remains unclear.

NM_014365.3(HSPB8):c.164G>A (p.Arg55His)

Gene: HSPB8 (heat shock protein family B (small) member 8; plus strand). Cytogenetic location: 12q24.23.
Variant type: single nucleotide variant.
Coding change: c.164G>A on transcript NM_014365.3 (MANE Select); coding-DNA position 164, G replaced by A.
Protein change: p.Arg55His; replaces arginine 55 with histidine.
Molecular consequence: missense variant.
Genome position (GRCh38, 1-based): chr12:119,179,476, G>A. VCF-style: chr12-119179476-G-A. GRCh37 (hg19) VCF-style: chr12-119617281-G-A.
Other names: short protein forms R55H.
Identifiers: ClinVar variation 570529 (VCV000570529.11), dbSNP rs752911264, ClinGen allele CA6819510.